The following is an entry in ClinVar:

NM_001754.5(RUNX1):c.352-5T>A

Genes: RUNX1-AS1 (RUNX1 antisense RNA 1; plus strand), RUNX1 (RUNX family transcription factor 1; minus strand). Cytogenetic location: 21q22.12.
Variant type: single nucleotide variant.
Coding change: c.352-5T>A on transcript NM_001754.5 (MANE Select); 5 bases into the intron before coding-DNA position 352, T replaced by A.
Molecular consequence: intron variant.
Genome position (GRCh38, 1-based): chr21:34,880,718, A>T on the plus strand (T>A on the coding strand, the complement: RUNX1 is on the minus strand). VCF-style: chr21-34880718-A-T. GRCh37 (hg19) VCF-style: chr21-36253015-A-T.
Other names: c.352-5T>A (NM_001754.4); c.271-5T>A (NM_001001890.3, NM_001122607.2).
Identifiers: ClinVar variation 2865325 (VCV002865325.5), dbSNP rs2146364097, ClinGen allele CA2737736947.

ClinVar aggregate classification (germline): Likely benign. Review status: reviewed by expert panel (3 of 4 stars). 3 submissions from 3 submitters: Likely benign (1). 2 of the submissions do not count toward it. Last evaluated 2024-11-04.

Conditions:
Inborn genetic diseases. Identifiers: MedGen C0950123, MeSH D030342.
Hereditary thrombocytopenia and hematological cancer predisposition syndrome associated with RUNX1. Also called: Familial Platelet Disorder with Propensity to Acute Myelogenous Leukemia; Familial thrombocytopenia with propensity to acute myelogenous leukemia; PLATELET DISORDER, ASPIRIN-LIKE; RUNX1 Familial Platelet Disorder with Associated Myeloid Malignancies. Identifiers: Orphanet 71290, MedGen C1832388, MeSH C563324, MONDO:0100083, OMIM 601399.
Hereditary thrombocytopenia and hematologic cancer predisposition syndrome. Identifiers: Orphanet 71290, MedGen CN281654, MONDO:0011071.

Submissions (3):

ClinGen Myeloid Malignancy Variant Curation Expert Panel
Classification: Likely benign for Hereditary thrombocytopenia and hematologic cancer predisposition syndrome. Last evaluated: 2024-11-04. Review status: reviewed by expert panel. Criteria: ClinGen MyeloMalig ACMG Specifications v2. Collection method: curation. Allele origin: germline. Inheritance: Autosomal dominant inheritance.
Comment: NM_001754.5(RUNX1):c.352-5T>A is an intronic variant which has a SpliceAI score ≤ 0.20 (0.02) (BP4). This variant has a SpliceAI score ≤ 0.20 (0.02) and evolutionary conservation prediction algorithms predict the site as not being conserved (PhyloP score ≤ 2.0 (0.63) (BP7). This variant is completely absent from all population databases with at least 20x coverage for RUNX1 (PM2_Supporting). In summary, this variant meets criteria to be classified as likely benign. ACMG/AMP criteria applied, as specified by the Myeloid Malignancy Variant Curation Expert Panel for RUNX1: BP4, BP7, PM2_supporting.

Ambry Genetics
Classification: Uncertain significance for Inborn genetic diseases. Last evaluated: 2025-06-17. Review status: criteria provided, single submitter. Criteria: Ambry Variant Classification Scheme 2023. Collection method: clinical testing. Allele origin: germline. Not counted in ClinVar's aggregate classification.
Comment: The c.352-5T>A intronic variant results from a T to A substitution 5 nucleotides upstream from coding exon 4 in the RUNX1 gene. This nucleotide position is well conserved in available vertebrate species. In silico splice site analysis predicts that this alteration will not have any significant effect on splicing. Based on the available evidence, the clinical significance of this variant remains unclear.

Labcorp Genetics (formerly Invitae), Labcorp
Classification: Likely benign for Hereditary thrombocytopenia and hematological cancer predisposition syndrome associated with RUNX1. Last evaluated: 2023-05-24. Review status: criteria provided, single submitter. Criteria: Invitae Variant Classification Sherloc (09022015). Collection method: clinical testing. Allele origin: germline. Not counted in ClinVar's aggregate classification.